The following is an entry in ClinVar:

NM_001395413.1(POR):c.578A>G (p.Glu193Gly)

Gene: POR (cytochrome p450 oxidoreductase; plus strand). Cytogenetic location: 7q11.23.
Variant type: single nucleotide variant.
Coding change: c.578A>G on transcript NM_001395413.1 (MANE Select); coding-DNA position 578, A replaced by G.
Protein change: p.Glu193Gly; replaces glutamic acid 193 with glycine.
Molecular consequence: missense variant.
Genome position (GRCh38, 1-based): chr7:75,981,118, A>G. VCF-style: chr7-75981118-A-G. GRCh37 (hg19) VCF-style: chr7-75610436-A-G.
Other names: c.578A>G, p.Glu193Gly (NM_001367562.3, NM_001382657.2, NM_001382658.3 and 2 more transcripts); c.632A>G, p.Glu211Gly (NM_001382655.3); c.587A>G (NM_000941.2); short protein forms E193G, E211G.
Identifiers: ClinVar variation 4986008 (VCV004986008.1).

ClinVar aggregate classification (germline): Uncertain significance (1 of 4 stars; one submission).

Conditions:
POR-related disorder. Also called: POR-related condition.

gnomAD v4.1: 14 of 1,562,628 alleles (0.0009%); highest among the groups gnomAD compares: South Asian, 0.012%; 1 homozygote.

Submission:

PreventionGenetics, part of Exact Sciences
Classification: Uncertain significance for POR-related condition. Last evaluated: 2025-09-16. Review status: criteria provided, single submitter. Criteria: ACMG Guidelines, 2015. Collection method: clinical testing. Allele origin: germline.
Comment: The POR c.587A>G variant is predicted to result in the amino acid substitution p.Glu196Gly. To our knowledge, this variant has not been reported in the literature. This variant is reported in 0.0043% of alleles in individuals of South Asian descent in gnomAD. At this time, the clinical significance of this variant is uncertain due to the absence of conclusive functional and genetic evidence.